The following is an entry in ClinVar:

NM_015512.5(DNAH1):c.2106+3A>G

Gene: DNAH1 (dynein axonemal heavy chain 1; plus strand). Cytogenetic location: 3p21.1.
Variant type: single nucleotide variant.
Coding change: c.2106+3A>G on transcript NM_015512.5 (MANE Select); 3 bases into the intron after coding-DNA position 2106, A replaced by G.
Molecular consequence: intron variant.
Genome position (GRCh38, 1-based): chr3:52,347,977, A>G. VCF-style: chr3-52347977-A-G. GRCh37 (hg19) VCF-style: chr3-52381993-A-G.
Identifiers: ClinVar variation 839436 (VCV000839436.7), dbSNP rs1702215639, ClinGen allele CA916082579.

ClinVar aggregate classification (germline): Uncertain significance (1 of 4 stars; one submission).

Conditions:
Spermatogenic failure 18. Identifiers: MedGen C4539783, MONDO:0054615, OMIM 617576.
Ciliary dyskinesia, primary, 37 (CILD37). Also called: CILIARY DYSKINESIA, PRIMARY, 37, WITH OR WITHOUT SITUS INVERSUS. Identifiers: MedGen C4539798, MONDO:0033204, OMIM 617577.

Submission:

Labcorp Genetics (formerly Invitae), Labcorp
Classification: Uncertain significance for Ciliary dyskinesia, primary, 37; Spermatogenic failure 18. Last evaluated: 2019-04-18. Review status: criteria provided, single submitter. Criteria: Invitae Variant Classification Sherloc (09022015). Collection method: clinical testing. Allele origin: germline.
Comment: In summary, the available evidence is currently insufficient to determine the role of this variant in disease. Therefore, it has been classified as a Variant of Uncertain Significance. Nucleotide substitutions within the consensus splice site are a relatively common cause of aberrant splicing (PMID: 17576681, 9536098). Algorithms developed to predict the effect of sequence changes on RNA splicing suggest that this variant is not likely to affect RNA splicing, but this prediction has not been confirmed by published transcriptional studies. This variant has not been reported in the literature in individuals with DNAH1-related conditions. This sequence change falls in intron 12 of the DNAH1 gene. It does not directly change the encoded amino acid sequence of the DNAH1 protein, but it affects a nucleotide within the consensus splice site of the intron. This variant is not present in population databases (ExAC no frequency).

Literature cited by the submitters: PubMed 17576681; PubMed 9536098.